The following continues an entry in ClinVar:

NM_000287.4(PEX6):c.1802G>A (p.Arg601Gln)

Gene: PEX6. ClinVar aggregate classification (germline): Conflicting classifications of pathogenicity. Pathogenic (7); Likely pathogenic (13); Uncertain significance (10).

Submissions 10 to 22 of 34:

Women's Health and Genetics/Laboratory Corporation of America, LabCorp
Classification: Uncertain significance. Last evaluated: 2025-04-07. Review status: criteria provided, single submitter. Criteria: LabCorp Variant Classification Summary - May 2015. Collection method: clinical testing. Allele origin: germline.
Comment: Variant summary: PEX6 c.1802G>A (p.Arg601Gln) results in a conservative amino acid change in the encoded protein sequence. Four of five in-silico tools predict a damaging effect of the variant on protein function. The variant allele was found at a frequency of 0.0027 in 246348 control chromosomes in the gnomAD database, including 7 homozygotes. The observed variant frequency is approximately 1.4 fold of the estimated maximal expected allele frequency for a pathogenic variant in PEX6 causing Peroxisome Biogenesis Disorder phenotype (0.0019). c.1802G>A has been reported in the literature in multiple individuals affected with mild, late-onset Zellweger syndrome in the compound heterozygous state (Ferdinandusse_2016, Tran_2014, Yik_2009) . In one of these patients, late-onset Zellweger syndrome mimicked X-linked adrenoleukodystrophy (Tran_2014). Two patients reported by Yik_2009 also carried additional PEX "inactivating" mutations (one with a PEX12 variant and one with two additional PEX1 variants). Additionally, several publications report the occurrence of this variant in patients with Heimler syndrome, which has clinical overlap with Usher syndrome with lack of peroxisomal abnormalities on plasma screening, and is stated to represent the mild end of Zellweger syndrome (Smith_2016). Heimler syndrome patients reported with this variant include a set of twins (Gao_2019, Ong_2006, Rabti_2015), and 5 other individuals/families who are compound heterozygotes with other PEX6 variants (Smith_2016, Wangtiraumnuay_2018). The variant was also reported in the heterozygous state (no second allele reported) in a patient who presented with bilateral macular schisis and sensorineural hearing loss with no nail or dental abnormalities and normal blood pipecolic/ plasmalogen levels (Doucette_2021). In experimental studies, when the variant was transfected into primary skin fibroblasts completely deficient in PEX1 and PEX6, cells demonstrated about 40% peroxisome positive cells, indicating significant residual activity of the variant (Rabti_2015). The following publications have been ascertained in the context of this evaluation (PMID: 19105186, 19877282, 27302843, 26387595, 31831025, 26943801, 16530715, 25079577, 33776059, 31216405, 33003980, 29676688, 36785559). ClinVar contains an entry for this variant (Variation ID: 198709). In summary, while the relatively high allele frequency in the control population (gnomAD) suggests that the variant is benign, the potential for mild phenotypes resulting from this variant suggests the disease may go under-diagnosed. It cannot be ruled out that this variant is a risk allele for mild Peroxisome Biogenesis Disorders including Zellweger and Heimler syndromes. Based on the evidence outlined above, the variant was classified as uncertain significance.

Laboratory of Genetics, Children's Clinical University Hospital Latvia
Classification: Pathogenic. Last evaluated: 2025-02-16. Review status: criteria provided, single submitter. Criteria: ACMG Guidelines, 2015. Collection method: clinical testing. Allele origin: germline. Affected: yes.

Blueprint Genetics
Classification: Likely pathogenic for PEX6-related disorders. Last evaluated: 2024-11-26. Review status: criteria provided, single submitter. Criteria: ACMG Guidelines, 2015. Collection method: clinical testing. Allele origin: germline. Affected: yes. Observed: 5 variant alleles.

Revvity Omics, Revvity
Classification: Uncertain significance. Last evaluated: 2024-07-25. Review status: criteria provided, single submitter. Criteria: ACMG Guidelines, 2015. Collection method: clinical testing. Allele origin: germline.

Fulgent Genetics
Classification: Uncertain significance for Peroxisome biogenesis disorder 4A (Zellweger); Peroxisome biogenesis disorder 4B; Heimler syndrome 2. Last evaluated: 2024-04-23. Review status: criteria provided, single submitter. Criteria: ACMG Guidelines, 2015. Collection method: clinical testing. Allele origin: germline.

Baylor Genetics
Classification: Pathogenic for Heimler syndrome 2. Last evaluated: 2024-03-30. Review status: criteria provided, single submitter. Criteria: ACMG Guidelines, 2015. Collection method: clinical testing. Allele origin: unknown.

Institute of Immunology and Genetics Kaiserslautern
Classification: Pathogenic for Peroxisome biogenesis disorder 4A (Zellweger); Peroxisome biogenesis disorder 4B; Heimler syndrome 2. Last evaluated: 2024-03-18. Review status: criteria provided, single submitter. Criteria: ACMG Guidelines, 2015. Collection method: clinical testing. Allele origin: paternal. Affected: yes.
Comment: ACMG Criteria: PS3, PS4, PM3, PP3, PP5.

Genomic Medicine Center of Excellence, King Faisal Specialist Hospital and Research Centre
Classification: Likely pathogenic for Peroxisome biogenesis disorder 4B. Last evaluated: 2024-03-17. Review status: criteria provided, single submitter. Criteria: ACMG Guidelines, 2015. Collection method: research. Allele origin: germline.

Laboratory of Medical Genetics, National & Kapodistrian University of Athens
Classification: Likely pathogenic for Peroxisome biogenesis disorder 4A (Zellweger). Last evaluated: 2024-02-01. Review status: criteria provided, single submitter. Criteria: ACMG Guidelines, 2015. Collection method: curation. Allele origin: germline. Affected: no.

Pittsburgh Clinical Genomics Laboratory, University of Pittsburgh Medical Center
Classification: Uncertain significance for Peroxisome biogenesis disorder 4B. Last evaluated: 2024-01-24. Review status: criteria provided, single submitter. Criteria: ACMG Guidelines, 2015. Collection method: clinical testing. Allele origin: germline. Inheritance: Autosomal recessive inheritance. Affected: yes.
Comment: This sequence variant is a single nucleotide substitution (G>A) at position 1802 of the coding sequence of the PEX6 gene that results in an arginine to glutamine amino acid change at residue 601 of the peroxisomal biogenesis factor 6 protein. The 601 residue falls in an AAA ATPase domain (PMID: 31374812). This is a previously reported variant (ClinVar 198709) that has been observed in multiple compound heterozygous individuals affected by a peroxisome biogenesis disorder including Zellweger syndrome spectrum disorder, Heimler syndrome, and/or infantile Refsum disease (PMID: 27302843, 31374812, 31831025, 19105186, 26387595). In addition, this variant was observed in a heterozygous individual affected by retinal dystrophy and sensorineural hearing loss, however the variant was transmitted from an unaffected parent (PMID: 33776059). This variant is present in 1105 of 398508 alleles (0.2773%) in the gnomAD population dataset and is believed to be a hypomorphic, founder variant (PMID: 26387595, 27302843). Multiple bioinformatic tools predict that this arginine to glutamine amino acid change would be damaging, and the Arg601 residue at this position is highly conserved across the vertebrate species examined. A cell fusion complementation assay found that cells containing this variant and a second pathogenic variant lacked PEX6 activity (PMID: 19105186). A subsequent complementation assay, which examined the isolated effect of this variant, found that peroxisomal biogenesis activity was restored to approximately 40% that of the wildtype allele (PMID: 26387595). However, the clinical implication of this finding is unclear. Given this conflicting evidence, we consider this to be a variant of uncertain significance. ACMG Criteria: BS1, BS2, PM3, PP3, PS3

Department of Pathology and Laboratory Medicine, Sinai Health System
Classification: Likely pathogenic for Peroxisome biogenesis disorder 4A (Zellweger); Peroxisome biogenesis disorder 4B; Heimler syndrome 2. Last evaluated: 2023-08-21. Review status: criteria provided, single submitter. Criteria: ACMG Guidelines, 2015. Collection method: research. Allele origin: germline.

Labcorp Genetics (formerly Invitae), Labcorp
Classification: Uncertain significance for Peroxisome biogenesis disorder. Last evaluated: 2022-11-01. Review status: criteria provided, single submitter. Criteria: Invitae Variant Classification Sherloc (09022015). Collection method: clinical testing. Allele origin: germline.
Comment: This sequence change replaces arginine, which is basic and polar, with glutamine, which is neutral and polar, at codon 601 of the PEX6 protein (p.Arg601Gln). This variant is present in population databases (rs34324426, gnomAD 0.5%), and has an allele count higher than expected for a pathogenic variant. This missense change has been observed in individual(s) with late-onset Zellweger spectrum disorder, also called Heimler syndrome (PMID: 25079599, 26387595, 27302843, 29676688). In at least one individual the data is consistent with being in trans (on the opposite chromosome) from a pathogenic variant. ClinVar contains an entry for this variant (Variation ID: 198709). Algorithms developed to predict the effect of missense changes on protein structure and function (SIFT, PolyPhen-2, Align-GVGD) all suggest that this variant is likely to be disruptive. Experimental studies have shown that this missense change affects PEX6 function (PMID: 26387595). This variant disrupts the p.Arg601 amino acid residue in PEX6. Other variant(s) that disrupt this residue have been observed in individuals with PEX6-related conditions (PMID: 26287655), which suggests that this may be a clinically significant amino acid residue. In summary, the available evidence is currently insufficient to determine the role of this variant in disease. Therefore, it has been classified as a Variant of Uncertain Significance.

Dubai Health Genomic Medicine Center, Dubai Health
Classification: Uncertain significance. Last evaluated: 2020-03-11. Review status: criteria provided, single submitter. Criteria: ACMG Guidelines, 2015. Collection method: clinical testing. Allele origin: germline. Affected: yes.